The following is an entry in ClinVar:

ClinVar aggregate classification (germline): Uncertain significance. Review status: criteria provided, multiple submitters, no conflicts (2 of 4 stars). 5 submissions from 5 submitters: Uncertain significance (5). Last evaluated 2025-12-16.

Conditions:
Acute myeloid leukemia (AML). Also called: Leukemia, acute myeloid, somatic; Leukemia, acute myelogenous, somatic; Acute myeloid leukemia, adult; AML adult; Acute non-lymphocytic leukemia; Acute granulocytic leukemia. Identifiers: Orphanet 519, MedGen C0023467, MeSH D015470, MONDO:0018874, OMIM 601626, HP:0004808. Disease mechanism: Constitutively activated FLT3.
Dyskeratosis congenita, autosomal dominant 2. Identifiers: MedGen C3151443, MONDO:0013521, OMIM 613989.
Aplastic anemia. Identifiers: Orphanet 182040, Orphanet 88, MedGen C0002874, MONDO:0015909, OMIM 609135, HP:0001915.
Pulmonary fibrosis and/or bone marrow failure, Telomere-related, 1. Also called: PULMONARY FIBROSIS AND/OR BONE MARROW FAILURE SYNDROME, TELOMERE-RELATED, 1. Identifiers: Orphanet 88, MedGen C3553617, MONDO:0013878, OMIM 614742.
Melanoma, cutaneous malignant, susceptibility to, 9. Also called: Cutaneous malignant melanoma 9. Identifiers: Orphanet 618, MedGen C3554574, MONDO:0014056, OMIM 615134.
Dyskeratosis congenita, autosomal dominant 1 (DKCA1). Also called: Dyskeratosis congenita Scoggins type. Identifiers: Orphanet 1775, MedGen C4551974, MONDO:0007485, OMIM 127550. Inheritance: Variable.
Interstitial lung disease 2 (ILD2). Also called: FIBROCYSTIC PULMONARY DYSPLASIA; FIBROSING ALVEOLITIS, CRYPTOGENIC; Familial idiopathic pulmonary fibrosis. Identifiers: Orphanet 2032, Orphanet 79126, MedGen C5561926, MONDO:0800497, OMIM 178500, MONDO:0800029.
Dyskeratosis congenita. Identifiers: Orphanet 1775, MedGen C0265965, MONDO:0015780.
Idiopathic Pulmonary Fibrosis. Also called: Idiopathic fibrosing alveolitis, chronic form; idiopathic fibrosing alveolitis. Identifiers: Orphanet 2032, MedGen C1800706, MeSH D054990, MONDO:0800504.

Allele frequency attached by ClinVar (database versions not stated): TOPMed below 0.00001; gnomAD exomes 0.00001.
gnomAD v4.1: 19 of 1,546,184 alleles (0.0012%); highest among the groups gnomAD compares: Non-Finnish European, 0.0014%; no homozygotes.

Submissions (5):

Labcorp Genetics (formerly Invitae), Labcorp
Classification: Uncertain significance for Dyskeratosis congenita, autosomal dominant 2; Idiopathic Pulmonary Fibrosis. Last evaluated: 2025-12-16. Review status: criteria provided, single submitter. Criteria: Invitae Variant Classification Sherloc (09022015). Collection method: clinical testing. Allele origin: germline.
Comment: This sequence change replaces valine, which is neutral and non-polar, with glutamic acid, which is acidic and polar, at codon 435 of the TERT protein (p.Val435Glu). This variant is not present in population databases (gnomAD no frequency). This variant has not been reported in the literature in individuals affected with TERT-related conditions. ClinVar contains an entry for this variant (Variation ID: 565378). Invitae Evidence Modeling of protein sequence and biophysical properties (such as structural, functional, and spatial information, amino acid conservation, physicochemical variation, residue mobility, and thermodynamic stability) indicates that this missense variant is not expected to disrupt TERT protein function with a negative predictive value of 95%. In summary, the available evidence is currently insufficient to determine the role of this variant in disease. Therefore, it has been classified as a Variant of Uncertain Significance.

Ambry Genetics
Classification: Uncertain significance for Dyskeratosis congenita. Last evaluated: 2025-03-31. Review status: criteria provided, single submitter. Criteria: Ambry Variant Classification Scheme 2023. Collection method: clinical testing. Allele origin: germline.
Comment: The p.V435E variant (also known as c.1304T>A), located in coding exon 2 of the TERT gene, results from a T to A substitution at nucleotide position 1304. The valine at codon 435 is replaced by glutamic acid, an amino acid with dissimilar properties. This amino acid position is poorly conserved in available vertebrate species. In addition, the in silico prediction for this alteration is inconclusive. The evidence for this gene-disease relationship is limited; therefore, the clinical significance of this alteration is unclear.

GeneDx
Classification: Uncertain significance. Last evaluated: 2023-06-14. Review status: criteria provided, single submitter. Criteria: GeneDx Variant Classification Process June 2021. Collection method: clinical testing. Allele origin: germline. Affected: yes.
Comment: Not observed at significant frequency in large population cohorts (gnomAD); In silico analysis supports that this missense variant does not alter protein structure/function; Published functional studies demonstrate in vitro telomerase activity and processivity similar to wildtype (Tomlinson et al., 2021); Identified in an individual with myelodysplastic syndrome, but testing was unable to determine whether the variant was a somatic alteration or present in the patient's germline (Tomlinson et al., 2021); This variant is associated with the following publications: (PMID: 32313107)

Fulgent Genetics
Classification: Uncertain significance for Dyskeratosis congenita, autosomal dominant 1; Interstitial lung disease 2; Acute myeloid leukemia; Aplastic anemia; Dyskeratosis congenita, autosomal dominant 2; Pulmonary fibrosis and/or bone marrow failure, Telomere-related, 1; Melanoma, cutaneous malignant, susceptibility to, 9. Last evaluated: 2022-03-04. Review status: criteria provided, single submitter. Criteria: ACMG Guidelines, 2015. Collection method: clinical testing. Allele origin: unknown.

Genetic Services Laboratory, University of Chicago
Classification: Uncertain significance. Last evaluated: 2018-02-22. Review status: criteria provided, single submitter. Criteria: ACMG Guidelines, 2015. Collection method: clinical testing. Allele origin: germline. Affected: no.

NM_198253.3(TERT):c.1304T>A (p.Val435Glu)

Gene: TERT (telomerase reverse transcriptase; minus strand). Cytogenetic location: 5p15.33.
Variant type: single nucleotide variant.
Coding change: c.1304T>A on transcript NM_198253.3 (MANE Select); coding-DNA position 1304, T replaced by A.
Protein change: p.Val435Glu; replaces valine 435 with glutamic acid.
Molecular consequence: missense variant. On other transcripts: non-coding transcript variant (2).
Genome position (GRCh38, 1-based): chr5:1,293,582, A>T on the plus strand (T>A on the coding strand, the complement: TERT is on the minus strand). VCF-style: chr5-1293582-A-T. GRCh37 (hg19) VCF-style: chr5-1293697-A-T.
Other names: c.1304T>A, p.Val435Glu (NM_001193376.3); short protein forms V435E.
Identifiers: ClinVar variation 565378 (VCV000565378.22), dbSNP rs1561213530, ClinGen allele CA359086304.